The following is an entry in ClinVar:

NM_001292063.2(OTOG):c.3124G>T (p.Asp1042Tyr)

Gene: OTOG (otogelin; plus strand). Cytogenetic location: 11p15.1.
Variant type: single nucleotide variant.
Coding change: c.3124G>T on transcript NM_001292063.2 (MANE Select); coding-DNA position 3124, G replaced by T.
Protein change: p.Asp1042Tyr; replaces aspartic acid 1042 with tyrosine.
Molecular consequence: missense variant.
Genome position (GRCh38, 1-based): chr11:17,593,310, G>T. VCF-style: chr11-17593310-G-T. GRCh37 (hg19) VCF-style: chr11-17614857-G-T.
Other names: c.3160G>T, p.Asp1054Tyr (NM_001277269.2); short protein forms D1042Y, D1054Y.
Identifiers: ClinVar variation 1312831 (VCV001312831.12), dbSNP rs973728066, ClinGen allele CA218460025.

ClinVar aggregate classification (germline): Conflicting classifications of pathogenicity. Review status: criteria provided, conflicting classifications (1 of 4 stars). 3 submissions from 3 submitters: Uncertain significance (1); Likely benign (2). Last evaluated 2025-07-16.

Conditions:
OTOG-related disorder. Also called: OTOG-related condition.

Allele frequency attached by ClinVar (database versions not stated): gnomAD 0.00001 and 0.00008; TOPMed 0.00003; gnomAD exomes 0.00021.
gnomAD v4.1: 359 of 1,550,630 alleles (0.023%); highest among the groups gnomAD compares: East Asian, 0.88%; 1 homozygote.

Submissions (3):

PreventionGenetics, part of Exact Sciences
Classification: Likely benign for OTOG-related condition. Last evaluated: 2025-07-16. Review status: criteria provided, single submitter. Criteria: ACMG Guidelines, 2015. Collection method: clinical testing. Allele origin: germline.
Comment: This variant is classified as likely benign based on ACMG/AMP sequence variant interpretation guidelines (Richards et al. 2015 PMID: 25741868, with internal and published modifications).

GeneDx
Classification: Uncertain significance. Last evaluated: 2024-12-05. Review status: criteria provided, single submitter. Criteria: GeneDx Variant Classification Process June 2021. Collection method: clinical testing. Allele origin: germline. Affected: yes.
Comment: In silico analysis supports that this missense variant has a deleterious effect on protein structure/function; Has not been previously published as pathogenic or benign to our knowledge; In silico analysis is inconclusive as to whether the variant alters gene splicing. In the absence of RNA/functional studies, the actual effect of this sequence change is unknown.

Labcorp Genetics (formerly Invitae), Labcorp
Classification: Likely benign. Last evaluated: 2022-03-10. Review status: criteria provided, single submitter. Criteria: Invitae Variant Classification Sherloc (09022015). Collection method: clinical testing. Allele origin: germline.